The following is an entry in ClinVar:

NM_198253.3(TERT):c.308T>C (p.Leu103Pro)

Gene: TERT (telomerase reverse transcriptase; minus strand). Cytogenetic location: 5p15.33.
Variant type: single nucleotide variant.
Coding change: c.308T>C on transcript NM_198253.3 (MANE Select); coding-DNA position 308, T replaced by C.
Protein change: p.Leu103Pro; replaces leucine 103 with proline.
Molecular consequence: missense variant. On other transcripts: non-coding transcript variant (2).
Genome position (GRCh38, 1-based): chr5:1,294,578, A>G on the plus strand (T>C on the coding strand, the complement: TERT is on the minus strand). VCF-style: chr5-1294578-A-G. GRCh37 (hg19) VCF-style: chr5-1294693-A-G.
Other names: c.308T>C, p.Leu103Pro (NM_001193376.3, NM_003219.1); short protein forms L103P.
Identifiers: ClinVar variation 2936996 (VCV002936996.3), dbSNP rs1751266351, ClinGen allele CA359058389.

ClinVar aggregate classification (germline): Uncertain significance (1 of 4 stars; one submission).

Conditions:
Dyskeratosis congenita, autosomal dominant 2. Identifiers: MedGen C3151443, MONDO:0013521, OMIM 613989.
Idiopathic Pulmonary Fibrosis. Also called: Idiopathic fibrosing alveolitis, chronic form; idiopathic fibrosing alveolitis. Identifiers: Orphanet 2032, MedGen C1800706, MeSH D054990, MONDO:0800504.

Submission:

Labcorp Genetics (formerly Invitae), Labcorp
Classification: Uncertain significance for Dyskeratosis congenita, autosomal dominant 2; Idiopathic Pulmonary Fibrosis. Last evaluated: 2023-02-01. Review status: criteria provided, single submitter. Criteria: Invitae Variant Classification Sherloc (09022015). Collection method: clinical testing. Allele origin: germline.
Comment: This variant has not been reported in the literature in individuals affected with TERT-related conditions. Advanced modeling of protein sequence and biophysical properties (such as structural, functional, and spatial information, amino acid conservation, physicochemical variation, residue mobility, and thermodynamic stability) performed at Invitae indicates that this missense variant is expected to disrupt TERT protein function. In summary, the available evidence is currently insufficient to determine the role of this variant in disease. Therefore, it has been classified as a Variant of Uncertain Significance. This variant is not present in population databases (gnomAD no frequency). This sequence change replaces leucine, which is neutral and non-polar, with proline, which is neutral and non-polar, at codon 103 of the TERT protein (p.Leu103Pro).